The following is an entry in ClinVar:

ClinVar aggregate classification (germline): Uncertain significance (1 of 4 stars; one submission).

Conditions:
Hereditary hemochromatosis (HFE). Identifiers: MedGen C0392514, MONDO:0006507. Disease mechanism: loss of function.

Allele frequency attached by ClinVar (database versions not stated): TOPMed 0.00001.
gnomAD v4.1: 14 of 1,547,676 alleles (0.0009%); highest among the groups gnomAD compares: Non-Finnish European, 0.0012%; no homozygotes.

Submission:

Labcorp Genetics (formerly Invitae), Labcorp
Classification: Uncertain significance for Hereditary hemochromatosis. Last evaluated: 2022-04-25. Review status: criteria provided, single submitter. Criteria: Invitae Variant Classification Sherloc (09022015). Collection method: clinical testing. Allele origin: germline.
Comment: This sequence change replaces arginine, which is basic and polar, with histidine, which is basic and polar, at codon 704 of the TFR2 protein (p.Arg704His). This variant is not present in population databases (gnomAD no frequency). This variant has not been reported in the literature in individuals affected with TFR2-related conditions. Algorithms developed to predict the effect of missense changes on protein structure and function (SIFT, PolyPhen-2, Align-GVGD) all suggest that this variant is likely to be disruptive. In summary, the available evidence is currently insufficient to determine the role of this variant in disease. Therefore, it has been classified as a Variant of Uncertain Significance.

NM_003227.4(TFR2):c.2111G>A (p.Arg704His)

Genes: TFR2 (transferrin receptor 2; minus strand), LOC113687175 (Sharpr-MPRA regulatory region 4647; plus strand). Cytogenetic location: 7q22.1.
Variant type: single nucleotide variant.
Coding change: c.2111G>A on transcript NM_003227.4 (MANE Select); coding-DNA position 2111, G replaced by A.
Protein change: p.Arg704His; replaces arginine 704 with histidine.
Molecular consequence: missense variant.
Genome position (GRCh38, 1-based): chr7:100,626,788, C>T on the plus strand (G>A on the coding strand, the complement: TFR2 is on the minus strand). VCF-style: chr7-100626788-C-T. GRCh37 (hg19) VCF-style: chr7-100224411-C-T.
Other names: c.1598G>A, p.Arg533His (NM_001206855.3); short protein forms R704H, R533H.
Identifiers: ClinVar variation 1961721 (VCV001961721.2), dbSNP rs1562837528, ClinGen allele CA368522700.